The following is an entry in ClinVar:

ClinVar aggregate classification (germline): Likely benign (0 of 4 stars; one submission).

Conditions:
MYBPC1-related disorder. Also called: MYBPC1-related condition.

Allele frequency attached by ClinVar (database versions not stated): ExAC 0.00008; TOPMed 0.00014; gnomAD 0.00019; gnomAD exomes 0.00022.
gnomAD v4.1: 330 of 1,527,398 alleles (0.022%); highest among the groups gnomAD compares: Non-Finnish European, 0.026%; no homozygotes.

Submission:

PreventionGenetics, part of Exact Sciences
Classification: Likely benign for MYBPC1-related condition. Last evaluated: 2022-05-05. Review status: no assertion criteria provided. Collection method: clinical testing. Allele origin: germline.
Comment: This variant is classified as likely benign based on ACMG/AMP sequence variant interpretation guidelines (Richards et al. 2015 PMID: 25741868, with internal and published modifications).

NM_002465.4(MYBPC1):c.*102C>T

Gene: MYBPC1 (myosin binding protein C1; plus strand). Cytogenetic location: 12q23.2.
Variant type: single nucleotide variant.
Coding change: c.*102C>T on transcript NM_002465.4 (MANE Select); 102 bases downstream of the stop codon, C replaced by T.
Molecular consequence: 3 prime UTR variant. On other transcripts: synonymous variant (4).
Genome position (GRCh38, 1-based): chr12:101,685,664, C>T. VCF-style: chr12-101685664-C-T. GRCh37 (hg19) VCF-style: chr12-102079442-C-T.
Other names: c.*32C>T (NM_001254718.3); c.*102C>T (NM_001254719.3, NM_001254720.3, NM_001254721.3 and 2 more transcripts); c.3402C>T, p.Ser1134= (NM_001254723.3); c.3516C>T, p.Ser1172= (NM_001404675.1); c.3384C>T, p.Ser1128= (NM_001404676.1); c.3306C>T, p.Ser1102= (NM_001404677.1); c.*112C>T (NM_001404678.1, NM_001404680.1, NM_001404681.1 and 3 more transcripts).
Identifiers: ClinVar variation 3045205 (VCV003045205.2), dbSNP rs571090620, ClinGen allele CA6745450.